The following is an entry in ClinVar:

NM_006158.5(NEFL):c.1465G>A (p.Glu489Lys)

Gene: NEFL (neurofilament light chain; minus strand). Cytogenetic location: 8p21.2.
Variant type: single nucleotide variant.
Coding change: c.1465G>A on transcript NM_006158.5 (MANE Select); coding-DNA position 1465, G replaced by A.
Protein change: p.Glu489Lys; replaces glutamic acid 489 with lysine.
Molecular consequence: missense variant.
Genome position (GRCh38, 1-based): chr8:24,953,500, C>T on the plus strand (G>A on the coding strand, the complement: NEFL is on the minus strand). VCF-style: chr8-24953500-C-T. GRCh37 (hg19) VCF-style: chr8-24811013-C-T.
Other names: short protein forms E489K.
Identifiers: ClinVar variation 3767518 (VCV003767518.1).

ClinVar aggregate classification (germline): Uncertain significance (1 of 4 stars; one submission).

Submission:

GeneDx
Classification: Uncertain significance. Last evaluated: 2024-09-10. Review status: criteria provided, single submitter. Criteria: GeneDx Variant Classification Process June 2021. Collection method: clinical testing. Allele origin: germline. Affected: yes.
Comment: Not observed at significant frequency in large population cohorts (gnomAD); In silico analysis indicates that this missense variant does not alter protein structure/function; Has not been previously published as pathogenic or benign to our knowledge